The following is an entry in ClinVar:

NM_001098816.3(TENM4):c.4653C>T (p.Tyr1551=)

Gene: TENM4 (teneurin transmembrane protein 4; minus strand). Cytogenetic location: 11q14.1.
Variant type: single nucleotide variant.
Coding change: c.4653C>T on transcript NM_001098816.3 (MANE Select); coding-DNA position 4653, C replaced by T.
Protein change: p.Tyr1551=; no amino-acid change (tyrosine 1551 retained).
Molecular consequence: synonymous variant.
Genome position (GRCh38, 1-based): chr11:78,701,960, G>A on the plus strand (C>T on the coding strand, the complement: TENM4 is on the minus strand). VCF-style: chr11-78701960-G-A. GRCh37 (hg19) VCF-style: chr11-78413005-G-A.
Identifiers: ClinVar variation 2642218 (VCV002642218.24), dbSNP rs1859116407, ClinGen allele CA476151692.

ClinVar aggregate classification (germline): Likely benign (1 of 4 stars; one submission).

gnomAD v4.1: 10 of 1,614,022 alleles (0.00062%); highest among the groups gnomAD compares: African/African-American, 0.0013%; no homozygotes.

Submission:

CeGaT Center for Human Genetics Tuebingen
Classification: Likely benign. Last evaluated: 2022-05-01. Review status: criteria provided, single submitter. Criteria: CeGaT Center For Human Genetics Tuebingen Variant Classification Criteria Version 2. Collection method: clinical testing. Allele origin: germline. Affected: yes. Observed: 1 variant allele.
Comment: TENM4: PM2:Supporting, BP4, BP7